The following is an entry in ClinVar:

ClinVar aggregate classification (germline): Uncertain significance (1 of 4 stars; one submission).

gnomAD v4.1: 15 of 1,611,460 alleles (0.00093%); highest among the groups gnomAD compares: Non-Finnish European, 0.0013%; no homozygotes.

Submission:

GeneDx
Classification: Uncertain significance. Last evaluated: 2022-06-17. Review status: criteria provided, single submitter. Criteria: GeneDx Variant Classification Process June 2021. Collection method: clinical testing. Allele origin: germline. Affected: yes.
Comment: Not observed at significant frequency in large population cohorts (gnomAD); In silico analysis supports that this missense variant does not alter protein structure/function; Has not been previously published as pathogenic or benign to our knowledge

NM_001009944.3(PKD1):c.3981C>G (p.Asp1327Glu)

Gene: PKD1 (polycystin 1, transient receptor potential channel interacting; minus strand). Cytogenetic location: 16p13.3.
Variant type: single nucleotide variant.
Coding change: c.3981C>G on transcript NM_001009944.3 (MANE Select); coding-DNA position 3981, C replaced by G.
Protein change: p.Asp1327Glu; replaces aspartic acid 1327 with glutamic acid.
Molecular consequence: missense variant.
Genome position (GRCh38, 1-based): chr16:2,111,186, G>C on the plus strand (C>G on the coding strand, the complement: PKD1 is on the minus strand). VCF-style: chr16-2111186-G-C. GRCh37 (hg19) VCF-style: chr16-2161187-G-C.
Other names: c.3981C>G, p.Asp1327Glu (NM_000296.4); short protein forms D1327E.
Identifiers: ClinVar variation 1804334 (VCV001804334.1), dbSNP rs759664879, ClinGen allele CA394381834.